The following is an entry in ClinVar:

NM_000368.5(TSC1):c.*4057G>A

Gene: TSC1 (TSC complex subunit 1; minus strand). Cytogenetic location: 9q34.13.
Variant type: single nucleotide variant.
Coding change: c.*4057G>A on transcript NM_000368.5 (MANE Select); 4057 bases downstream of the stop codon, G replaced by A.
Molecular consequence: 3 prime UTR variant.
Genome position (GRCh38, 1-based): chr9:132,892,178, C>T on the plus strand (G>A on the coding strand, the complement: TSC1 is on the minus strand). VCF-style: chr9-132892178-C-T. GRCh37 (hg19) VCF-style: chr9-135767565-C-T.
Other names: c.*4057G>A (NM_001162426.2, NM_001162427.2, NM_001362177.2).
Identifiers: ClinVar variation 365404 (VCV000365404.5), dbSNP rs17149898, ClinGen allele CA10632648.

ClinVar aggregate classification (germline): Benign. Review status: criteria provided, single submitter (1 of 4 stars). 2 submissions from 1 submitter: Benign (2). Last evaluated 2018-01-13.

Conditions:
Isolated focal cortical dysplasia type II (FCORD2). Also called: CORTICAL DYSPLASIA OF TAYLOR; Focal cortical dysplasia type II. Identifiers: Orphanet 268994, MedGen C1846385, MONDO:0011818, OMIM 607341, HP:0032051.
Tuberous sclerosis 1 (TSC1). Identifiers: Orphanet 805, MedGen C1854465, MONDO:0008612, OMIM 191100.

Allele frequency attached by ClinVar (database versions not stated): 1000 Genomes Project 30x 0.00687; 1000 Genomes Project 0.00799; gnomAD 0.01083 and 0.01133; TOPMed 0.01138; gnomAD exomes 0.01268.

Submissions (2):

Illumina Laboratory Services, Illumina
Classification: Benign for Tuberous sclerosis 1. Last evaluated: 2018-01-13. Review status: criteria provided, single submitter. Criteria: ICSL Variant Classification Criteria 13 December 2019. Collection method: clinical testing. Allele origin: germline.
Comment: This variant was observed in the ICSL laboratory as part of a predisposition screen in an ostensibly healthy population. It had not been previously curated by ICSL or reported in the Human Gene Mutation Database (HGMD: prior to June 1st, 2018), and was therefore a candidate for classification through an automated scoring system. Utilizing variant allele frequency, disease prevalence and penetrance estimates, and inheritance mode, an automated score was calculated to assess if this variant is too frequent to cause the disease. Based on the score and internal cut-off values, a variant classified as benign is not then subjected to further curation. The score for this variant resulted in a classification of benign for this disease.

Illumina Laboratory Services, Illumina
Classification: Benign for Isolated focal cortical dysplasia type II. Last evaluated: 2018-01-13. Review status: criteria provided, single submitter. Criteria: ICSL Variant Classification Criteria 13 December 2019. Collection method: clinical testing. Allele origin: germline.
Comment: the same text as in the submission from Illumina Laboratory Services, Illumina above.